The following is an entry in ClinVar:

ClinVar aggregate classification (germline): Likely benign (1 of 4 stars; one submission).

Allele frequency attached by ClinVar (database versions not stated): 1000 Genomes Project 0.00140; 1000 Genomes Project 30x 0.00234; gnomAD 0.00547; TOPMed 0.00568; gnomAD exomes 0.00830.
gnomAD v4.1: 7,501 of 960,586 alleles (0.78%); highest among the groups gnomAD compares: Non-Finnish European, 0.87%; 30 homozygotes.

Submission:

CeGaT Center for Human Genetics Tuebingen
Classification: Likely benign. Last evaluated: 2023-04-01. Review status: criteria provided, single submitter. Criteria: CeGaT Center For Human Genetics Tuebingen Variant Classification Criteria Version 2. Collection method: clinical testing. Allele origin: germline. Affected: yes. Observed: 3 variant alleles.
Comment: APC2: BS2

NC_000019.10:g.1450086C>T

Genes: APC2 (APC regulator of Wnt signaling pathway 2; plus strand), LOC130062952 (ATAC-STARR-seq lymphoblastoid silent region 9714; plus strand). Cytogenetic location: 19p13.3.
Variant type: single nucleotide variant.
Genome position: GRCh38 VCF-style: chr19-1450086-C-T. GRCh37 (hg19) VCF-style: chr19-1450085-C-T.
Identifiers: ClinVar variation 2648922 (VCV002648922.24), dbSNP rs113534259, ClinGen allele CA304057622.